The following is an entry in ClinVar:

NM_004006.3(DMD):c.9324dup (p.Ala3109fs)

Gene: DMD (dystrophin; minus strand). Cytogenetic location: Xp21.2.
Variant type: Duplication.
Coding change: c.9324dup on transcript NM_004006.3 (MANE Select); coding-DNA position 9324, one base duplicated (T; older notation c.9324dupT).
Protein change: p.Ala3109fs; shifts the reading frame from alanine 3109.
Molecular consequence: frameshift variant.
Genome position (GRCh38, 1-based): chrX:31,223,084, A duplicated on the plus strand (T on the coding strand, the reverse complement: DMD is on the minus strand). VCF-style (leftmost placement, unchanged base first): chrX-31223083-C-CA. GRCh37 (hg19) VCF-style: chrX-31241200-C-CA.
Other names: c.9300dup, p.Ala3101fs (NM_000109.4); c.9312dup, p.Ala3105fs (NM_004009.3); c.8955dup, p.Ala2986fs (NM_004010.3); c.5301dup, p.Ala1768fs (NM_004011.4); c.5292dup, p.Ala1765fs (NM_004012.4); c.1944dup, p.Ala649fs (NM_004013.3, NM_004020.4, NM_004021.3 and 2 more transcripts); c.1137dup, p.Ala380fs (NM_004014.3); c.120dup, p.Ala41fs (NM_004015.3, NM_004016.3, NM_004017.3 and 2 more transcripts); short protein forms A380fs, A41fs, A1765fs, A1768fs, A649fs, A2986fs, A3109fs, A3101fs.
Identifiers: ClinVar variation 1375214 (VCV001375214.6), dbSNP rs2147071440, ClinGen allele CA2573158614.

ClinVar aggregate classification (germline): Pathogenic (1 of 4 stars; one submission).

Conditions:
Duchenne muscular dystrophy (DMD). Also called: MUSCULAR DYSTROPHY, PSEUDOHYPERTROPHIC PROGRESSIVE, DUCHENNE TYPE; Duchenne Muscular Dystrophy (DMD). Identifiers: Orphanet 98896, MedGen C0013264, MONDO:0010679, OMIM 310200.

Submission:

Labcorp Genetics (formerly Invitae), Labcorp
Classification: Pathogenic for Duchenne muscular dystrophy. Last evaluated: 2021-05-19. Review status: criteria provided, single submitter. Criteria: Invitae Variant Classification Sherloc (09022015). Collection method: clinical testing. Allele origin: germline.
Comment: For these reasons, this variant has been classified as Pathogenic. This sequence change creates a premature translational stop signal (p.Ala3109Cysfs*23) in the DMD gene. It is expected to result in an absent or disrupted protein product. Loss-of-function variants in DMD are known to be pathogenic (PMID: 16770791, 25007885). This variant is not present in population databases (ExAC no frequency). This variant has not been reported in the literature in individuals with DMD-related conditions.

Literature cited by the submitters: PubMed 16770791; PubMed 25007885.